The following is an entry in ClinVar:

ClinVar aggregate classification (germline): Uncertain significance (1 of 4 stars; one submission).

gnomAD v4.1: 82 of 1,612,512 alleles (0.0051%); highest among the groups gnomAD compares: East Asian, 0.042%; no homozygotes.

Submission:

Women's Health and Genetics/Laboratory Corporation of America, LabCorp
Classification: Uncertain significance. Last evaluated: 2026-03-13. Review status: criteria provided, single submitter. Criteria: LabCorp Variant Classification Summary - May 2015. Collection method: clinical testing. Allele origin: germline.
Comment: Variant summary: ROBO3 c.2108G>A (p.Arg703Gln) results in a conservative amino acid change in the encoded protein sequence. Algorithms developed to predict the effect of missense changes on protein structure and function all suggest that this variant is likely to be tolerated. The variant allele was found at a frequency of 0.00011 in 246146 control chromosomes. This frequency is not significantly higher than estimated for disease-causing variants in ROBO3, allowing no conclusion about variant significance. To our knowledge, no occurrence of c.2108G>A in individuals affected with ROBO3-related conditions and no experimental evidence demonstrating its impact on protein function have been reported. No submitters have cited clinical-significance assessments for this variant to ClinVar. Based on the evidence outlined above, the variant was classified as uncertain significance.

NM_022370.4(ROBO3):c.2108G>A (p.Arg703Gln)

Gene: ROBO3 (roundabout guidance receptor 3; plus strand). Cytogenetic location: 11q24.2.
Variant type: single nucleotide variant.
Coding change: c.2108G>A on transcript NM_022370.4 (MANE Select); coding-DNA position 2108, G replaced by A.
Protein change: p.Arg703Gln; replaces arginine 703 with glutamine.
Molecular consequence: missense variant.
Genome position (GRCh38, 1-based): chr11:124,875,145, G>A. VCF-style: chr11-124875145-G-A. GRCh37 (hg19) VCF-style: chr11-124745041-G-A.
Other names: short protein forms R703Q.
Identifiers: ClinVar variation 4847256 (VCV004847256.1).
Genomic context (GRCh38, chr11:124,875,145, plus strand): 5'-GGTGTGCCTTGTCCTGTCTCCCACAGGTGGATGGCCCAGTCCAGCTGGTGCAAGGTTTCC[G>A]GGTGTCTTGGAGGGTAGCAGGCCCTGAGGGAGGAAGCTGGACAATGTTGGACCTACAGTC-3'
Protein context (NP_071765.2, residues 693-713): DGPVQLVQGF[Arg703Gln]VSWRVAGPEG